The following is an entry in ClinVar:

ClinVar aggregate classification (germline): Uncertain significance. Review status: criteria provided, multiple submitters, no conflicts (2 of 4 stars). 2 submissions from 2 submitters: Uncertain significance (2). Last evaluated 2021-10-03.

Conditions:
Hereditary cancer-predisposing syndrome. Also called: Tumor predisposition; Hereditary neoplastic syndrome; Neoplastic Syndromes, Hereditary; Hereditary Cancer Syndrome. Identifiers: Orphanet 140162, MedGen C0027672, MeSH D009386, MONDO:0015356.
Familial cancer of breast. Also called: BREAST CANCER, FAMILIAL; Hereditary breast cancer; hereditary breast carcinoma. Identifiers: Orphanet 227535, MedGen C0346153, MONDO:0016419, OMIM 114480. Disease mechanism: loss of function.
Fanconi anemia complementation group J. Also called: BRIP1-Related Fanconi Anemia. Identifiers: Orphanet 84, MedGen C1836860, MONDO:0012187, OMIM 609054.

Submissions (2):

Ambry Genetics
Classification: Uncertain significance for Hereditary cancer-predisposing syndrome. Last evaluated: 2021-10-03. Review status: criteria provided, single submitter. Criteria: Ambry Variant Classification Scheme 2023. Collection method: clinical testing. Allele origin: germline.
Comment: The p.G492R variant (also known as c.1474G>A) is located in coding exon 10 of the BRIP1 gene. The glycine at codon 492 is replaced by arginine, an amino acid with dissimilar properties. This change occurs in the first base pair of coding exon 10. This amino acid position is conserved. In addition, this alteration is predicted to be tolerated by in silico analysis. Since supporting evidence is limited at this time, the clinical significance of this alteration remains unclear.

Labcorp Genetics (formerly Invitae), Labcorp
Classification: Uncertain significance for Familial cancer of breast; Fanconi anemia complementation group J. Last evaluated: 2021-08-31. Review status: criteria provided, single submitter. Criteria: Invitae Variant Classification Sherloc (09022015). Collection method: clinical testing. Allele origin: germline.
Comment: This sequence change replaces glycine with arginine at codon 492 of the BRIP1 protein (p.Gly492Arg). The glycine residue is weakly conserved and there is a moderate physicochemical difference between glycine and arginine. This variant is not present in population databases (ExAC no frequency). This variant has not been reported in the literature in individuals affected with BRIP1-related conditions. Algorithms developed to predict the effect of missense changes on protein structure and function output the following: SIFT: "Tolerated"; PolyPhen-2: "Benign"; Align-GVGD: "Class C0". The arginine amino acid residue is found in multiple mammalian species, which suggests that this missense change does not adversely affect protein function. Algorithms developed to predict the effect of sequence changes on RNA splicing suggest that this variant may disrupt the consensus splice site. In summary, the available evidence is currently insufficient to determine the role of this variant in disease. Therefore, it has been classified as a Variant of Uncertain Significance.

NM_032043.3(BRIP1):c.1474G>A (p.Gly492Arg)

Gene: BRIP1 (BRCA1 interacting DNA helicase 1; minus strand). Cytogenetic location: 17q23.2.
Variant type: single nucleotide variant.
Coding change: c.1474G>A on transcript NM_032043.3 (MANE Select); coding-DNA position 1474, G replaced by A.
Protein change: p.Gly492Arg; replaces glycine 492 with arginine.
Molecular consequence: missense variant.
Genome position (GRCh38, 1-based): chr17:61,784,424, C>T on the plus strand (G>A on the coding strand, the complement: BRIP1 is on the minus strand). VCF-style: chr17-61784424-C-T. GRCh37 (hg19) VCF-style: chr17-59861785-C-T.
Other names: short protein forms G492R.
Identifiers: ClinVar variation 1381306 (VCV001381306.8), dbSNP rs2145142389, ClinGen allele CA400481788.